The following is an entry in ClinVar:

NC_000012.11:g.(?_52056602)_(52201213_?)dup

Gene: SCN8A (sodium voltage-gated channel alpha subunit 8; plus strand). Cytogenetic location: 12q13.13.
Variant type: Duplication.
Identifiers: ClinVar variation 3244262 (VCV003244262.1).

ClinVar aggregate classification (germline): Uncertain significance (1 of 4 stars; one submission).

Conditions:
Developmental and epileptic encephalopathy. Identifiers: MedGen C5779964, MONDO:0100620.

Submission:

Labcorp Genetics (formerly Invitae), Labcorp
Classification: Uncertain significance for Early-infantile DEE. Last evaluated: 2023-06-13. Review status: criteria provided, single submitter. Criteria: Invitae Variant Classification Sherloc (09022015). Collection method: clinical testing. Allele origin: unknown.
Comment: In summary, the available evidence is currently insufficient to determine the role of this variant in disease. Therefore, it has been classified as a Variant of Uncertain Significance. This variant has not been reported in the literature in individuals affected with SCN8A-related conditions. A copy number gain of the genomic region encompassing the full coding sequence of the SCN8A gene has been identified. The boundaries of this event are unknown as they extend beyond the assayed region for this gene and therefore may encompass additional genes. As the precise location of this event is unknown, it may be in tandem or it may be located elsewhere in the genome.